The following is an entry in ClinVar:

ClinVar aggregate classification (germline): Pathogenic (1 of 4 stars; one submission).

Conditions:
Hereditary breast ovarian cancer syndrome. Also called: Hereditary breast and ovarian cancer syndrome; Hereditary breast and ovarian cancer; Hereditary breast and ovarian cancer syndrome (HBOC); Breast and ovarian cancer; Hereditary breast and/or ovarian cancer syndrome; BRCA1- and BRCA2-Associated Hereditary Breast and Ovarian Cancer. Identifiers: Orphanet 145, MedGen C0677776, MeSH D061325, MONDO:0003582. Disease mechanism: loss of function.

Submission:

Women's Health and Genetics/Laboratory Corporation of America, LabCorp
Classification: Pathogenic for Hereditary breast ovarian cancer syndrome. Last evaluated: 2024-03-28. Review status: criteria provided, single submitter. Criteria: LabCorp Variant Classification Summary - May 2015. Collection method: clinical testing. Allele origin: germline.
Comment: Variant summary: The variant involves the deletion of exons 4-6 in the BRCA2 gene. A presumed nomenclature of c.(316+1_317-1)_(516+1_517-1)del has been designated for the purposes of this classification. This Copy Number Variant (CNV) is expected to alter the reading frame and predicted to result in a truncation or absence of the encoded protein due to nonsense mediated decay (NMD). The variant was absent in 120780 control chromosomes in the gnomAD database (Structural Variants v4.0 dataset). To our knowledge, no occurrence of c.(316+1_317-1)_(516+1_517-1)del in individuals affected with Hereditary Breast And Ovarian Cancer Syndrome and no experimental evidence demonstrating its impact on protein function have been reported. No submitters have cited clinical-significance assessments for this variant to ClinVar. Based on the evidence outlined above, the variant was classified as pathogenic.

NC_000013.10:g.(32893463_32899212)_(32900420_32900635)del

Gene: BRCA2 (BRCA2 DNA repair associated; plus strand). Cytogenetic location: 13q13.1.
Variant type: Deletion.
Identifiers: ClinVar variation 3233732 (VCV003233732.2).